The following is an entry in ClinVar:

ClinVar aggregate classification (germline): Conflicting classifications of pathogenicity. Review status: criteria provided, conflicting classifications (1 of 4 stars). 7 submissions from 7 submitters: Uncertain significance (1); Benign (2); Likely benign (3). 1 of the submissions does not count toward it. Last evaluated 2026-04-01.

Conditions:
Inborn genetic diseases. Identifiers: MedGen C0950123, MeSH D030342.
HNRNPU-related disorder. Also called: HNRNPU-related condition.
Developmental and epileptic encephalopathy, 54. Also called: HNRNPU-Related Neurodevelopmental Disorder; Epileptic encephalopathy, early infantile, 54. Identifiers: MedGen C4479319, MONDO:0033363, OMIM 617391.

Submissions (7):

CeGaT Center for Human Genetics Tuebingen
Classification: Likely benign. Last evaluated: 2026-04-01. Review status: criteria provided, single submitter. Criteria: CeGaT Center For Human Genetics Tuebingen Variant Classification Criteria Version 2. Collection method: clinical testing. Allele origin: germline. Affected: yes. Observed: 11 variant alleles.
Comment: HNRNPU: BS1

Labcorp Genetics (formerly Invitae), Labcorp
Classification: Benign for Developmental and epileptic encephalopathy, 54. Last evaluated: 2026-01-05. Review status: criteria provided, single submitter. Criteria: Invitae Variant Classification Sherloc (09022015). Collection method: clinical testing. Allele origin: germline.

Blueprint Genetics
Classification: Likely benign. Last evaluated: 2024-11-22. Review status: criteria provided, single submitter. Criteria: ACMG Guidelines, 2015. Collection method: clinical testing. Allele origin: germline.

Center for Genomics, Ann and Robert H. Lurie Children's Hospital of Chicago
Classification: Uncertain significance for Developmental and epileptic encephalopathy, 54. Last evaluated: 2021-03-30. Review status: criteria provided, single submitter. Criteria: ACMG Guidelines, 2015. Collection method: clinical testing. Allele origin: germline.
Comment: HNRNPU NM_031844.2 exon 11 p.Gly722del (c.2165_2167del): This variant has not been reported in the literature but is present in 0.5% (168/30630) of South Asian alleles, including 1 homozygote, in the Genome Aggregation Database. Evolutionary conservation and computational predictive tools for this variant are limited or unavailable. This variant represents an in-frame deletion of 1 amino acid at position 722 and is not predicted to alter the reading frame. However, the effect of this variant on the protein is unclear. In summary, data on this variant is insufficient for disease classification. Therefore, the clinical significance of this variant is uncertain.

GeneDx
Classification: Benign. Last evaluated: 2020-03-09. Review status: criteria provided, single submitter. Criteria: GeneDx Variant Classification Process June 2021. Collection method: clinical testing. Allele origin: germline. Affected: yes.
Comment: This variant is associated with the following publications: (PMID: 27048167)

Ambry Genetics
Classification: Likely benign for Inborn genetic diseases. Last evaluated: 2017-03-06. Review status: criteria provided, single submitter. Criteria: Ambry Variant Classification Scheme 2023. Collection method: clinical testing. Allele origin: germline.

PreventionGenetics, part of Exact Sciences
Classification: Likely benign for HNRNPU-related condition. Last evaluated: 2020-06-11. Review status: no assertion criteria provided. Collection method: clinical testing. Allele origin: germline. Not counted in ClinVar's aggregate classification.
Comment: This variant is classified as likely benign based on ACMG/AMP sequence variant interpretation guidelines (Richards et al. 2015 PMID: 25741868, with internal and published modifications).

NM_031844.2(HNRNPU):c.2166_2167+1delAGG

Gene: HNRNPU (heterogeneous nuclear ribonucleoprotein U; minus strand). Cytogenetic location: 1q44.
Variant type: Microsatellite.
Coding change: c.2166_2167+1delAGG on transcript NM_031844.2; coding-DNA position 2166 through the canonical splice donor site of the intron after coding-DNA position 2167, 3 bases deleted (AGG).
Genome position (GRCh38, 1-based): chr1:244,855,903-244,855,905, CCT deleted on the plus strand (AGG on the coding strand, the reverse complement: HNRNPU is on the minus strand); deleting any 3 consecutive bases within chr1:244,855,903-244,855,912 gives the same sequence; the c. name uses the placement nearest the transcript's 3' end. VCF-style (leftmost placement, unchanged base first): chr1-244855902-GCCT-G. GRCh37 (hg19) VCF-style: chr1-245019204-GCCT-G.
Other names: c.2166_2167+1del (NM_031844.2).
Identifiers: ClinVar variation 532563 (VCV000532563.48), dbSNP rs575582638, ClinGen allele CA1486309.